The following continues an entry in ClinVar:

NM_153240.5(NPHP3):c.2694-2_2694-1del

ClinVar aggregate classification (germline): Pathogenic/Likely pathogenic. Pathogenic (19); Likely pathogenic (2).

Submissions 12 to 30 of 30:

Broad Center for Mendelian Genomics, Broad Institute of MIT and Harvard
Classification: Pathogenic for Renal-hepatic-pancreatic dysplasia 1. Last evaluated: 2023-05-02. Review status: criteria provided, single submitter. Criteria: ACMG Guidelines, 2015. Collection method: curation. Allele origin: germline. Inheritance: Autosomal recessive inheritance. Study: Broad Institute Center for Mendelian Genomics (CMG).
Comment: Trio exome analysis showed this variant to be in trans with a likely pathogenic variant (ClinVar Variation ID: 635041). The c.2694-2_2694-1del variant in NPHP3 has been previously reported in 22 unrelated individuals with NPHP3-related disease (PMID: 33532864, PMID: 28973083, PMID: 32055034, PMID: 32552793, PMID: 32901917, PMID: 27894351, PMID: 33726816, PMID: 23559409, PMID: 26673778, PMID: 30002499, PMID: 33323469), but has been identified in 0.04% (14/30612) of South Asian chromosomes by the Genome Aggregation Database (gnomAD; dbSNP ID: rs963574014). Although this variant has been seen in the general population in a heterozygous state, its frequency is not high enough to rule out a pathogenic role. Of these 22 previously reported unrelated individuals (PMID: 33532864, PMID: 28973083, PMID: 32055034, PMID: 32552793, PMID: 32901917, PMID: 27894351, PMID: 33726816, PMID: 23559409, PMID: 26673778, PMID: 30002499, PMID: 33323469), 12 were homozygotes (PMID: 32055034, PMID: 32552793, PMID: 27894351, PMID: 18371931, PMID: 20007846) and 4 were compound heterozygotes who carried pathogenic or likely pathogenic variants in trans (PMID: 33532864, ClinVar Variation ID: 659899; PMID: 28973083, ClinVar Variation ID: 988261; PMID: 23559409, ClinVar Variation ID: 96511, ClinVar Variation ID: 693989 ; PMID: 30002499, ClinVar Variation ID: 262696; PMID: 33323469, ClinVar Variation ID: 1454640), which increases the likelihood that the c.2694-2_2694-1del variant is pathogenic. This variant has also been reported in ClinVar (Variation ID: 220868) and has been interpreted as pathogenic by multiple submitters. RT-PCR analysis performed on affected tissue shows evidence of altered splicing of exon 20 (PMID: 32552793, PMID: 30002499, PMID: 20007846). A different nucleotide change that also results in a splice acceptor variant at the same site, c.2694-2A>T (ClinVar Variation ID: 1524627), has been previously reported likely pathogenic, and the variant being assessed here, c.2694-2_2694-1del, is predicted by SpliceAI to have a similar effect on splicing. This variant is located in the 3' splice region. Computational tools do suggest an impact to splicing. However, this information is not predictive enough to determine pathogenicity. There is an in-frame cryptic splice site 21 bases from the intron-exon boundary, providing evidence that this variant may delete 7 amino acids instead of causing loss of function. However, this information is not predictive enough to determine pathogenicity. Loss of function of the NPHP3 gene is an established disease mechanism in autosomal recessive renal-hepatic-pancreatic dysplasia 1. In summary, this variant meets criteria to be classified as pathogenic for autosomal recessive renal-hepatic-pancreatic dysplasia 1. ACMG/AMP Criteria applied: PVS1_Moderate, PS1_Supporting, PS3_Moderate, PM3_VeryStrong (Richards 2015).

CeGaT Center for Human Genetics Tuebingen
Classification: Pathogenic. Last evaluated: 2022-06-01. Review status: criteria provided, single submitter. Criteria: CeGaT Center For Human Genetics Tuebingen Variant Classification Criteria Version 2. Collection method: clinical testing. Allele origin: germline. Affected: yes. Observed: 1 variant allele.
Comment: NPHP3: PVS1, PS3:Supporting, PS4:Supporting

GeneDx
Classification: Pathogenic. Last evaluated: 2022-05-03. Review status: criteria provided, single submitter. Criteria: GeneDx Variant Classification Process June 2021. Collection method: clinical testing. Allele origin: germline. Affected: yes.
Comment: Canonical splice site variant in a gene for which loss-of-function is a known mechanism of disease; Published functional studies demonstrate this variant leads to loss of splice acceptor resulting in skipping of exon 20 (Molinari et al., 2018); This variant is associated with the following publications: (PMID: 27894351, 28973083, 30002499, 34426522, 32055034, 31980526, 32552793, 32901917, 20007846, 18371931, 33726816, 27535533)

AiLife Diagnostics
Classification: Pathogenic. Last evaluated: 2021-05-24. Review status: criteria provided, single submitter. Criteria: ACMG Guidelines, 2015. Collection method: clinical testing. Allele origin: germline. Affected: yes. Observed: 1 variant allele.

Molecular Biology Laboratory, Fundació Puigvert
Classification: Pathogenic for Nephronophthisis 3. Last evaluated: 2020-02-01. Review status: criteria provided, single submitter. Criteria: ACMG Guidelines, 2015. Collection method: research. Allele origin: germline. Affected: yes. Study: KidneyPanel_2020.

Centre for Mendelian Genomics, University Medical Centre Ljubljana
Classification: Pathogenic for NPHP3-related Meckel-like syndrome. Last evaluated: 2019-08-12. Review status: criteria provided, single submitter. Criteria: ACMG Guidelines, 2015. Collection method: clinical testing. Allele origin: unknown. Affected: yes.
Comment: This variant was classified as: Pathogenic. The following ACMG criteria were applied in classifying this variant: PVS1,PS1,PS3,PM2.

Gharavi Laboratory, Columbia University
Classification: Likely pathogenic. Last evaluated: 2018-09-16. Review status: criteria provided, single submitter. Criteria: ACMG Guidelines, 2015. Collection method: research. Allele origin: germline. Affected: yes.

Eurofins Ntd Llc (ga)
Classification: Pathogenic. Last evaluated: 2017-03-15. Review status: criteria provided, single submitter. Criteria: EGL Classification Definitions 2015. Collection method: clinical testing. Allele origin: germline. Observed: 3 variant alleles, 3 heterozygotes.

Juno Genomics, Hangzhou Juno Genomics, Inc
Classification: Pathogenic for NPHP3-related Meckel-like syndrome; Nephronophthisis 3; Renal-hepatic-pancreatic dysplasia 1. Review status: criteria provided, single submitter. Criteria: ACMG Guidelines, 2015. Collection method: clinical testing. Allele origin: germline. Affected: yes.
Comment: Absent from controls (or at extremely low frequency if recessive) in Genome Aggregation Database, Exome Sequencing Project, 1000 Genomes Project, or Exome Aggregation Consortium.;For recessive disorders, detected in trans with a pathogenic variant.;Patient's phenotype or family history is highly specific for a disease with a single genetic etiology.;Co-segregation with disease in multiple affected family members in a gene definitively known to cause the disease.;Null variant in a gene where loss of function (LOF) is a known mechanism of disease.

Neuberg Centre For Genomic Medicine, NCGM
Classification: Pathogenic for NPHP3-related Meckel-like syndrome. Review status: criteria provided, single submitter. Criteria: ACMG Guidelines, 2015. Collection method: clinical testing. Allele origin: germline. Inheritance: Autosomal recessive inheritance. Affected: yes.
Comment: The splice site c.2694-2_2694-1del variant has been reported to segregate with Meckel syndrome and embryonic lethality in families (Bergmann et. al., 2008). An experimental study has shown that this variant results in altered splicing, likely by usage of a cryptic splice site, resulting in a prematurely truncated protein (Fiskerstrand et. al., 2010). The c.2694-2_2694-1del variant is novel (not in any individuals) in 1000 Genomes and has allele frequency of 0.02759% in gnomAD database. This variant has been reported to the ClinVar database as Pathogenic/Likely Pathogenic. Donor and acceptor splice site variants typically lead to a loss of protein function (Baralle D, Baralle M., 2005), and loss-of-function variants in NPHP3 are known to be pathogenic (Halbritter et. al., 2013). For these reasons, this variant has been classified as Pathogenic. In the absence of another reportable variant, the molecular diagnosis is not confirmed.

PreventionGenetics, part of Exact Sciences
Classification: Pathogenic for NPHP3-related condition. Last evaluated: 2024-08-27. Review status: no assertion criteria provided. Collection method: clinical testing. Allele origin: germline. Not counted in ClinVar's aggregate classification.
Comment: The NPHP3 c.2694-2_2694-1delAG variant is predicted to result in a deletion affecting a canonical splice site. This variant has been reported in the homozygous and compound heterozygous states in multiple individuals with NPHP3 related disorders (Bergmann et al. 2008. PubMed ID: 18371931; Meng et al 2017. PubMed ID: 28973083; Shaheen et al 2016. PubMed ID: 27894351; Shamseldin et al. 2021. PubMed ID: 34645488). Expression assays reveal that this variant leads to skipping of exon 20 (Maddirevula et al. 2020. PubMed ID: 32552793). This variant is reported in 0.046% of alleles in individuals of South Asian descent in gnomAD. This variant is interpreted as pathogenic.

Broad Center for Mendelian Genomics, Broad Institute of MIT and Harvard
Classification: Pathogenic for Nephronophthisis 3. Last evaluated: 2018-06-15. Review status: no assertion criteria provided. Collection method: research. Allele origin: germline. Inheritance: Autosomal recessive inheritance. Affected: yes. Not counted in ClinVar's aggregate classification.
Comment: This variant is pathogenic based off of multiple reports in ClinVar and the literature.

OMIM
Classification: Pathogenic for MECKEL SYNDROME, TYPE 7. Last evaluated: 2010-01-01. Review status: no assertion criteria provided. Collection method: literature only. Allele origin: germline. Not counted in ClinVar's aggregate classification.

OMIM
Classification: Pathogenic for RENAL-HEPATIC-PANCREATIC DYSPLASIA 1. Last evaluated: 2010-01-01. Review status: no assertion criteria provided. Collection method: literature only. Allele origin: germline. Not counted in ClinVar's aggregate classification.

Clinical Genetics DNA and cytogenetics Diagnostics Lab, Erasmus MC, Erasmus Medical Center
Classification: Pathogenic. Review status: no assertion criteria provided. Collection method: clinical testing. Allele origin: germline. Affected: yes. Study: VKGL Data-share Consensus. Not counted in ClinVar's aggregate classification.

Diagnostic Laboratory, Department of Genetics, University Medical Center Groningen
Classification: Pathogenic. Review status: no assertion criteria provided. Collection method: clinical testing. Allele origin: germline. Affected: yes. Study: VKGL Data-share Consensus. Not counted in ClinVar's aggregate classification.

Genome Diagnostics Laboratory, Amsterdam University Medical Center
Classification: Pathogenic. Review status: no assertion criteria provided. Collection method: clinical testing. Allele origin: germline. Affected: yes. Study: VKGL Data-share Consensus. Not counted in ClinVar's aggregate classification.

Genomic Medicine Center of Excellence, King Faisal Specialist Hospital and Research Centre
Classification: Pathogenic for Polycystic kidney disease. Review status: no assertion criteria provided. Collection method: research. Allele origin: germline. Affected: yes. Observed: 1 homozygote. Not counted in ClinVar's aggregate classification.

Joint Genome Diagnostic Labs from Nijmegen and Maastricht, Radboudumc and MUMC+
Classification: Pathogenic. Review status: no assertion criteria provided. Collection method: clinical testing. Allele origin: germline. Affected: yes. Study: VKGL Data-share Consensus. Not counted in ClinVar's aggregate classification.

Literature cited by the submitters: PubMed 28921755 (cited by Victorian Clinical Genetics Services, Murdoch Childrens Research Institute); PubMed 32055034 (cited by Victorian Clinical Genetics Services, Murdoch Childrens Research Institute and AiLife Diagnostics); PubMed 30002499 (cited by Victorian Clinical Genetics Services, Murdoch Childrens Research Institute); PubMed 18371931 (cited by 5 submitters); PubMed 20007846 (cited by Labcorp Genetics (formerly Invitae), Labcorp and OMIM); PubMed 23559409 (cited by Labcorp Genetics (formerly Invitae), Labcorp); PubMed 26673778 (cited by Labcorp Genetics (formerly Invitae), Labcorp); PubMed 34853893 (cited by Women's Health and Genetics/Laboratory Corporation of America, LabCorp); PubMed 31980526 (cited by AiLife Diagnostics); PubMed 32552793 (cited by AiLife Diagnostics); PubMed 28973083 (cited by AiLife Diagnostics); PubMed 27894351 (cited by AiLife Diagnostics); PubMed 33532864 (cited by Molecular Biology Laboratory, Fundació Puigvert).